The following is an entry in ClinVar:

NM_000051.4(ATM):c.5890A>T (p.Lys1964Ter)

Genes: ATM (ATM serine/threonine kinase; plus strand), C11orf65 (chromosome 11 open reading frame 65; minus strand). Cytogenetic location: 11q22.3.
Variant type: single nucleotide variant.
Coding change: c.5890A>T on transcript NM_000051.4 (MANE Select); coding-DNA position 5890, A replaced by T.
Protein change: p.Lys1964Ter; replaces lysine 1964 with a stop codon.
Molecular consequence: nonsense. On other transcripts: intron variant (2).
Genome position (GRCh38, 1-based): chr11:108,310,287, A>T. VCF-style: chr11-108310287-A-T. GRCh37 (hg19) VCF-style: chr11-108181014-A-T.
Other names: p.K1964*:AAG>TAG; c.5890A>T, p.Lys1964Ter (NM_001351834.2); c.641-1216T>A (NM_001330368.2); c.*39-1216T>A (NM_001351110.2); short protein forms K1964*.
Identifiers: ClinVar variation 182000 (VCV000182000.26), dbSNP rs201963507, ClinGen allele CA298368.

ClinVar aggregate classification (germline): Pathogenic/Likely pathogenic. Review status: criteria provided, multiple submitters, no conflicts (2 of 4 stars). 9 submissions from 9 submitters: Pathogenic (7); Likely pathogenic (1). 1 of the submissions does not count toward it. Last evaluated 2025-10-29.

Conditions:
Hereditary cancer-predisposing syndrome. Also called: Hereditary Cancer Syndrome; Tumor predisposition; Neoplastic Syndromes, Hereditary; Hereditary neoplastic syndrome. Identifiers: Orphanet 140162, MedGen C0027672, MeSH D009386, MONDO:0015356.
Familial cancer of breast. Also called: hereditary breast carcinoma; BREAST CANCER, FAMILIAL; Hereditary breast cancer. Identifiers: Orphanet 227535, MedGen C0346153, MONDO:0016419, OMIM 114480. Disease mechanism: loss of function.
Ataxia-telangiectasia syndrome (AT). Also called: ATAXIA-TELANGIECTASIA, COMPLEMENTATION GROUP A; ATAXIA-TELANGIECTASIA, FRESNO VARIANT; Ataxia-telangiectasia; Ataxia-telangiectasia, complementation group E; Cerebello-oculocutaneous telangiectasia; Immunodeficiency with ataxia telangiectasia. Identifiers: Orphanet 100, MedGen C0004135, MONDO:0008840, OMIM 208900.

gnomAD v4.1: 8 of 1,613,556 alleles (0.0005%); highest among the groups gnomAD compares: African/African-American, 0.0013%; no homozygotes.

Submissions (9):

Labcorp Genetics (formerly Invitae), Labcorp
Classification: Pathogenic for Ataxia-telangiectasia syndrome. Last evaluated: 2025-10-29. Review status: criteria provided, single submitter. Criteria: Invitae Variant Classification Sherloc (09022015). Collection method: clinical testing. Allele origin: germline.
Comment: This sequence change creates a premature translational stop signal (p.Lys1964*) in the ATM gene. It is expected to result in an absent or disrupted protein product. Loss-of-function variants in ATM are known to be pathogenic (PMID: 23807571, 25614872). This variant is not present in population databases (gnomAD no frequency). This premature translational stop signal has been observed in individual(s) with ataxia-telangiectasia (PMID: 18321536). ClinVar contains an entry for this variant (Variation ID: 182000). For these reasons, this variant has been classified as Pathogenic.

Natera, Inc.
Classification: Pathogenic for Ataxia-telangiectasia. Last evaluated: 2025-10-21. Review status: criteria provided, single submitter. Criteria: Natera Variant Classification Schema (03/2026). Collection method: clinical testing. Allele origin: germline.
Comment: The c.5890A>T variant in ATM is a nonsense variant predicted to introduce a stop codon at amino acid 1964. This variant is expected to result in nonsense mediated decay, truncation, or a dysfunctional protein product. This variant is rare in the general population with a frequency below the threshold expected for the associated phenotype(s). This variant has been observed in one or more individuals affected with the associated recessive disease, as either homozygous or compound heterozygous with a second variant (PMID: 39521281, 18321536). Given the available evidence, this variant is classified as Pathogenic.

Ambry Genetics
Classification: Pathogenic for Hereditary cancer-predisposing syndrome. Last evaluated: 2025-07-11. Review status: criteria provided, single submitter. Criteria: Ambry Variant Classification Scheme 2023. Collection method: clinical testing. Allele origin: germline.
Comment: The p.K1964* pathogenic mutation (also known as c.5890A>T), located in coding exon 38 of the ATM gene, results from an A to T substitution at nucleotide position 5890. This changes the amino acid from a lysine to a stop codon within coding exon 38. This variant has been identified in the homozygous state and/or in conjunction with other ATM variant(s) in individual(s) with features consistent with ataxia-telangiectasia (Du L et al. Mutat. Res., 2008 Apr;640:139-44). This variant has also been reported in individuals with breast cancer (Palmer JR et al. J Natl Cancer Inst, 2020 12;112:1213-1221). This variant is considered to be rare based on population cohorts in the Genome Aggregation Database (gnomAD). This alteration is expected to result in loss of function by premature protein truncation or nonsense-mediated mRNA decay. As such, this alteration is interpreted as a disease-causing mutation.

Baylor Genetics
Classification: Pathogenic for Familial cancer of breast. Last evaluated: 2024-02-28. Review status: criteria provided, single submitter. Criteria: ACMG Guidelines, 2015. Collection method: clinical testing. Allele origin: unknown.

Myriad Genetics, Inc.
Classification: Pathogenic for Familial cancer of breast. Last evaluated: 2024-01-26. Review status: criteria provided, single submitter. Criteria: Myriad Autosomal Dominant, Autosomal Recessive and X-Linked Classification Criteria (2023). Collection method: clinical testing. Allele origin: unknown.
Comment: This variant is considered pathogenic. This variant creates a termination codon and is predicted to result in premature protein truncation.

Victorian Clinical Genetics Services, Murdoch Childrens Research Institute
Classification: Pathogenic for Familial cancer of breast. Last evaluated: 2023-07-17. Review status: criteria provided, single submitter. Criteria: ACMG Guidelines, 2015. Collection method: clinical testing. Allele origin: germline. Inheritance: Autosomal dominant inheritance. Affected: no.
Comment: Based on the classification scheme VCGS_Germline_v1.3.4, this variant is classified as Pathogenic. Following criteria are met: 0102 - Loss of function is a known mechanism of disease in this gene and is associated with ataxia-telangiectasia (AT; MIM#208900) and susceptibility to breast cancer (MIM#114480). (I) 0108 - This gene is associated with both recessive and dominant disease. Biallelic variants in this gene result in ataxia-telangiectasia; however, heterozygous carriers of specific pathogenic variants have an increased risk of breast cancer (PMID: 27595995). Germline variants in this gene may also contribute to increased risk of other cancers including gastric, colorectal, and pancreatic cancers; however, the risk is not well-established at this stage (PMIDs: 22585167, 27978560, 26506520). (I) 0115 - Variants in this gene are known to have variable expressivity with regard to AT. Variable age of onset and rate of disease progression have been reported for affected individuals within the same family (PMIDs: 20301790, 27884168). (I) 0201 - Variant is predicted to cause nonsense-mediated decay (NMD) and loss of protein (premature termination codon is located at least 54 nucleotides upstream of the final exon-exon junction). (SP) 0251 - This variant is heterozygous. (I) 0301 - Variant is absent from gnomAD (both v2 and v3). (SP) 0701 - Other NMD-predicted variants comparable to the one identified in this case have very strong previous evidence for pathogenicity (DECIPHER). (SP) 0801 - This variant has strong previous evidence of pathogenicity in unrelated individuals. This variant has been classified as pathogenic or likely pathogenic by multiple clinical laboratories in ClinVar, and has been observed in an individual with breast cancer (PMID: 32427313). This variant has also been observed in an individual with AT who harboured a second ATM variant; however, it is not known if the variants are in trans (PMID: 18321536). (I) Legend: (SP) - Supporting pathogenic, (I) - Information, (SB) - Supporting benign

GeneDx
Classification: Likely pathogenic. Last evaluated: 2022-08-18. Review status: criteria provided, single submitter. Criteria: GeneDx Variant Classification Process June 2021. Collection method: clinical testing. Allele origin: germline. Affected: yes.
Comment: Nonsense variant predicted to result in protein truncation or nonsense mediated decay in a gene for which loss of function is a known mechanism of disease; Not observed at significant frequency in large population cohorts (gnomAD); Identified in individuals with breast cancer (Palmer et al., 2020); Observed with a pathogenic ATM variant in a patient with ataxia-telangiectasia, but it is not known whether the variants occurred on the same (in cis) allele or on opposite (in trans) alleles (Du et al., 2008); This variant is associated with the following publications: (PMID: 25525159, 32427313, 18321536)

Color Diagnostics, LLC DBA Color Health
Classification: Pathogenic for Hereditary cancer-predisposing syndrome. Last evaluated: 2021-10-19. Review status: criteria provided, single submitter. Criteria: ACMG Guidelines, 2015. Collection method: clinical testing. Allele origin: germline.
Comment: This variant changes 1 nucleotide in exon 39 of the ATM gene, creating a premature translation stop signal. This variant is expected to result in an absent or non-functional protein product. This variant has been reported in trans with another ATM mutation in an individual affected with ataxia-telangiectasia (PMID: 18321536) and in individuals affected with breast cancer (Color Health, Inc.). This variant has not been identified in the general population by the Genome Aggregation Database (gnomAD). Loss of ATM function is a known mechanism of disease. Based on the available evidence, this variant is classified as Pathogenic.

Counsyl
Classification: Likely pathogenic for Ataxia-telangiectasia syndrome. Last evaluated: 2018-04-11. Review status: no assertion criteria provided. Collection method: clinical testing. Allele origin: unknown. Not counted in ClinVar's aggregate classification.

Literature cited by the submitters: PubMed 23807571 (cited by Labcorp Genetics (formerly Invitae), Labcorp); PubMed 25614872 (cited by Labcorp Genetics (formerly Invitae), Labcorp); PubMed 18321536 (cited by 6 submitters); PubMed 39521281 (cited by Natera, Inc.); PubMed 29641532 (cited by Ambry Genetics); PubMed 32427313 (cited by Ambry Genetics and Victorian Clinical Genetics Services, Murdoch Childrens Research Institute); PubMed 20301790 (cited by Victorian Clinical Genetics Services, Murdoch Childrens Research Institute); PubMed 22585167 (cited by Victorian Clinical Genetics Services, Murdoch Childrens Research Institute); PubMed 26506520 (cited by Victorian Clinical Genetics Services, Murdoch Childrens Research Institute); PubMed 27595995 (cited by Victorian Clinical Genetics Services, Murdoch Childrens Research Institute); PubMed 27884168 (cited by Victorian Clinical Genetics Services, Murdoch Childrens Research Institute); PubMed 27978560 (cited by Victorian Clinical Genetics Services, Murdoch Childrens Research Institute).